The following is an entry in ClinVar:

ClinVar aggregate classification (germline): Likely pathogenic (1 of 4 stars; one submission).

Conditions:
Developmental and epileptic encephalopathy, 2 (DEE2). Also called: INFANTILE SPASM SYNDROME, X-LINKED 2; CDKL5 deficiency disorder. Identifiers: Orphanet 1934, Orphanet 3451, Orphanet 505652, MedGen C4750718, MONDO:0010396, OMIM 300672.

Submission:

3billion
Classification: Likely pathogenic for Developmental and epileptic encephalopathy, 2. Last evaluated: 2025-11-20. Review status: criteria provided, single submitter. Criteria: ACMG Guidelines, 2015. Collection method: clinical testing. Allele origin: germline. Affected: yes.
Comment: The variant is not observed in the gnomAD v4.1.0 dataset. Predicted Consequence/Location: Stop-gained (nonsense): predicted to result in a loss or disruption of normal protein function through nonsense-mediated decay (NMD) or protein truncation. Multiple pathogenic variants are reported downstream of the variant. Therefore, this variant is classified as Likely pathogenic according to the recommendation of ACMG/AMP guideline.

NM_001323289.2(CDKL5):c.830T>A (p.Leu277Ter)

Gene: CDKL5 (cyclin dependent kinase like 5; plus strand). Cytogenetic location: Xp22.13.
Variant type: single nucleotide variant.
Coding change: c.830T>A on transcript NM_001323289.2 (MANE Select); coding-DNA position 830, T replaced by A.
Protein change: p.Leu277Ter; replaces leucine 277 with a stop codon.
Molecular consequence: nonsense.
Genome position (GRCh38, 1-based): chrX:18,598,466, T>A. VCF-style: chrX-18598466-T-A. GRCh37 (hg19) VCF-style: chrX-18616586-T-A.
Other names: c.830T>A, p.Leu277Ter (NM_001037343.2, NM_003159.3); short protein forms L277*.
Identifiers: ClinVar variation 4855218 (VCV004855218.1).